The following is an entry in ClinVar:

ClinVar aggregate classification (germline): Benign/Likely benign. Review status: criteria provided, multiple submitters, no conflicts (2 of 4 stars). 10 submissions from 10 submitters: Benign (5); Likely benign (3). 2 of the submissions do not count toward it. Last evaluated 2026-09-01.

Conditions:
Developmental and epileptic encephalopathy, 42 (DEE42A). Also called: Epileptic encephalopathy, early infantile, 42; DEVELOPMENTAL AND EPILEPTIC ENCEPHALOPATHY 42A; EPILEPTIC ENCEPHALOPATHY, EARLY INFANTILE, 42A. Identifiers: MedGen C4310716, MONDO:0014917, OMIM 617106.
Episodic ataxia type 2 (EA2). Also called: ACETAZOLAMIDE-RESPONSIVE HEREDITARY PAROXYSMAL CEREBELLAR ATAXIA; ATAXIA, EPISODIC, WITH NYSTAGMUS; ATAXIA, FAMILIAL PAROXYSMAL; CEREBELLAR ATAXIA, PAROXYSMAL, ACETAZOLAMIDE-RESPONSIVE; CEREBELLOPATHY, HEREDITARY PAROXYSMAL; EPISODIC ATAXIA, NYSTAGMUS-ASSOCIATED. Identifiers: Orphanet 97, MedGen C1720416, MONDO:0007163, OMIM 108500.
Inborn genetic diseases. Identifiers: MedGen C0950123, MeSH D030342.

Allele frequency attached by ClinVar (database versions not stated): TOPMed 0.00133; ESP Exome Variant Server 0.00134; gnomAD 0.00144 and 0.00153; gnomAD exomes 0.00162 and 0.00257; ExAC 0.00184; 1000 Genomes Project 30x 0.00031; 1000 Genomes Project 0.00040.
gnomAD v4.1: 3,872 of 1,594,874 alleles (0.24%); highest among the groups gnomAD compares: Non-Finnish European, 0.31%; 5 homozygotes.

Submissions (10):

CeGaT Center for Human Genetics Tuebingen
Classification: Likely benign. Last evaluated: 2026-09-01. Review status: criteria provided, single submitter. Criteria: CeGaT Center For Human Genetics Tuebingen Variant Classification Criteria Version 2. Collection method: clinical testing. Allele origin: germline. Affected: yes. Observed: 30 variant alleles.
Comment: CACNA1A: BP4, BP7, BS1

Labcorp Genetics (formerly Invitae), Labcorp
Classification: Benign for Developmental and epileptic encephalopathy, 42; Episodic ataxia type 2. Last evaluated: 2026-02-03. Review status: criteria provided, single submitter. Criteria: Invitae Variant Classification Sherloc (09022015). Collection method: clinical testing. Allele origin: germline.

Blueprint Genetics
Classification: Likely benign. Last evaluated: 2024-10-21. Review status: criteria provided, single submitter. Criteria: ACMG Guidelines, 2015. Collection method: clinical testing. Allele origin: germline.

Mayo Clinic Laboratories, Mayo Clinic
Classification: Benign. Last evaluated: 2024-03-06. Review status: criteria provided, single submitter. Criteria: ACMG Guidelines, 2015. Collection method: clinical testing. Allele origin: germline. Observed: 6 variant alleles.
Comment: BS1, BS2, BP4, BP7

GeneDx
Classification: Benign. Last evaluated: 2019-01-17. Review status: criteria provided, single submitter. Criteria: GeneDx Variant Classification Process June 2021. Collection method: clinical testing. Allele origin: germline. Affected: yes.
Comment: This variant is associated with the following publications: (PMID: 23397224)

Athena Diagnostics
Classification: Benign. Last evaluated: 2018-11-23. Review status: criteria provided, single submitter. Criteria: Athena Diagnostics Criteria. Collection method: clinical testing. Allele origin: germline.

Eurofins Ntd Llc (ga)
Classification: Benign. Last evaluated: 2017-05-16. Review status: criteria provided, single submitter. Criteria: EGL Classification Definitions 2015. Collection method: clinical testing. Allele origin: germline. Observed: 1 variant allele, 1 heterozygote.

Ambry Genetics
Classification: Likely benign for Inborn genetic diseases. Last evaluated: 2016-07-28. Review status: criteria provided, single submitter. Criteria: Ambry Variant Classification Scheme 2023. Collection method: clinical testing. Allele origin: germline.

Clinical Genetics DNA and cytogenetics Diagnostics Lab, Erasmus MC, Erasmus Medical Center
Classification: Likely benign. Review status: no assertion criteria provided. Collection method: clinical testing. Allele origin: germline. Affected: yes. Study: VKGL Data-share Consensus. Not counted in ClinVar's aggregate classification.

Genome Diagnostics Laboratory, University Medical Center Utrecht
Classification: Likely benign. Review status: no assertion criteria provided. Collection method: clinical testing. Allele origin: germline. Affected: yes. Study: VKGL Data-share Consensus. Not counted in ClinVar's aggregate classification.

Literature cited by the submitters: PubMed 23397224 (cited by 3 submitters).

NM_001127222.2(CACNA1A):c.1614C>T (p.Tyr538=)

Gene: CACNA1A (calcium voltage-gated channel subunit alpha1 A; minus strand). Cytogenetic location: 19p13.13.
Variant type: single nucleotide variant.
Coding change: c.1614C>T on transcript NM_001127222.2 (MANE Select); coding-DNA position 1614, C replaced by T.
Protein change: p.Tyr538=; no amino-acid change (tyrosine 538 retained).
Molecular consequence: synonymous variant.
Genome position (GRCh38, 1-based): chr19:13,312,723, G>A on the plus strand (C>T on the coding strand, the complement: CACNA1A is on the minus strand). VCF-style: chr19-13312723-G-A. GRCh37 (hg19) VCF-style: chr19-13423537-G-A.
Other names: p.Tyr539=; c.1617C>T, p.Tyr539= (NM_000068.4, NM_001127221.2, NM_001174080.2 and 1 more transcripts).
Identifiers: ClinVar variation 380908 (VCV000380908.50), dbSNP rs182505786, ClinGen allele CA9240774.
Genomic context (GRCh38, chr19:13,312,723, plus strand): 5'-ACTTACCCCACAGTCAAAGCAGTTGAAGGAAGAGTGGAAGTAAGGCCGCGTCCCAAGCCC[G>A]TACATTTTTATAAACATTTCGGACATAAAGAGTCCTAAGAAAATGAATTCTGCATAGTCT-3'
Protein context (NP_001120694.1, residues 528-548): LFMSEMFIKM[Tyr538=]GLGTRPYFHS